The following is an entry in ClinVar:

ClinVar aggregate classification (germline): Uncertain significance. Review status: criteria provided, multiple submitters, no conflicts (2 of 4 stars). 4 submissions from 4 submitters: Uncertain significance (2). 2 of the submissions do not count toward it. Last evaluated 2024-09-06.

Conditions:
RPGRIP1L-related disorder. Also called: RPGRIP1L-related disorders; RPGRIP1L-related condition. Identifiers: MedGen CN239416.
Joubert syndrome. Also called: JOUBERT-BOLTSHAUSER SYNDROME; Familial aplasia of the vermis. Identifiers: Orphanet 475, MedGen C5979921, MONDO:0018772.
Meckel-Gruber syndrome. Also called: DYSENCEPHALIA SPLANCHNOCYSTICA; GRUBER SYNDROME; Dysencephalia splachnocystica. Identifiers: Orphanet 564, MedGen C0265215, MONDO:0018921.

Allele frequency attached by ClinVar (database versions not stated): gnomAD exomes 0.00006 and 0.00011; ExAC 0.00008; TOPMed 0.00013.
gnomAD v4.1: 109 of 1,613,384 alleles (0.0068%); highest among the groups gnomAD compares: South Asian, 0.036%; no homozygotes.

Submissions (7):

Blueprint Genetics
Classification: Uncertain significance. Last evaluated: 2024-09-06. Review status: criteria provided, single submitter. Criteria: ACMG Guidelines, 2015. Collection method: clinical testing. Allele origin: germline.

Labcorp Genetics (formerly Invitae), Labcorp
Classification: Uncertain significance for Joubert syndrome; Meckel-Gruber syndrome. Last evaluated: 2022-08-16. Review status: criteria provided, single submitter. Criteria: Invitae Variant Classification Sherloc (09022015). Collection method: clinical testing. Allele origin: germline.
Comment: This sequence change affects codon 768 of the RPGRIP1L mRNA. It is a 'silent' change, meaning that it does not change the encoded amino acid sequence of the RPGRIP1L protein. This variant also falls at the last nucleotide of exon 16, which is part of the consensus splice site for this exon. This variant is present in population databases (rs770503381, gnomAD 0.04%). This variant has not been reported in the literature in individuals affected with RPGRIP1L-related conditions. ClinVar contains an entry for this variant (Variation ID: 853034). Variants that disrupt the consensus splice site are a relatively common cause of aberrant splicing (PMID: 17576681, 9536098). Algorithms developed to predict the effect of sequence changes on RNA splicing suggest that this variant may disrupt the consensus splice site. In summary, the available evidence is currently insufficient to determine the role of this variant in disease. Therefore, it has been classified as a Variant of Uncertain Significance.

PreventionGenetics, part of Exact Sciences
Classification: Uncertain significance for RPGRIP1L-related condition. Last evaluated: 2024-09-10. Review status: no assertion criteria provided. Collection method: clinical testing. Allele origin: germline. Not counted in ClinVar's aggregate classification.
Comment: The RPGRIP1L c.2304G>A variant is not predicted to result in an amino acid change (p.=). This variant is predicted to impact splicing at the canonical splice donor site (SpliceAI, Jaganathan et al. 2019. PubMed ID: 30661751). This variant has been reported as a common polymorphism in a study of patients with Joubert syndrome related disorders (Brancati et al. 2008. PubMed ID: 18565097). This variant is reported in 0.039% of alleles in individuals of South Asian descent in gnomAD. At this time, the clinical significance of this variant is uncertain due to the absence of conclusive functional and genetic evidence.

Natera, Inc.
Classification: Uncertain significance for Joubert syndrome. Last evaluated: 2020-09-16. Review status: no assertion criteria provided. Collection method: clinical testing. Allele origin: germline. Not counted in ClinVar's aggregate classification.

Dr. Peter K. Rogan Lab, Western University
No classification provided (evidence only). Condition: Malignant tumor of urinary bladder. Review status: no classification provided. Collection method: in vitro. Allele origin: not applicable. Functional consequence: retained intron. Not counted in ClinVar's aggregate classification.

Dr. Peter K. Rogan Lab, Western University
No classification provided (evidence only). Condition: Clear cell carcinoma of kidney. Review status: no classification provided. Collection method: in vitro. Allele origin: not applicable. Functional consequence: retained intron. Not counted in ClinVar's aggregate classification.

Dr. Peter K. Rogan Lab, Western University
No classification provided (evidence only). Condition: Gastric cancer. Review status: no classification provided. Collection method: in vitro. Allele origin: not applicable. Functional consequence: retained intron. Not counted in ClinVar's aggregate classification.

Literature cited by the submitters: PubMed 17576681 (cited by Labcorp Genetics (formerly Invitae), Labcorp); PubMed 9536098 (cited by Labcorp Genetics (formerly Invitae), Labcorp).

NM_015272.5(RPGRIP1L):c.2304G>A (p.Ser768=)

Gene: RPGRIP1L (RPGRIP1 like; minus strand). Cytogenetic location: 16q12.2.
Variant type: single nucleotide variant.
Coding change: c.2304G>A on transcript NM_015272.5 (MANE Select); coding-DNA position 2304, G replaced by A.
Protein change: p.Ser768=; no amino-acid change (serine 768 retained).
Molecular consequence: synonymous variant.
Genome position (GRCh38, 1-based): chr16:53,648,964, C>T on the plus strand (G>A on the coding strand, the complement: RPGRIP1L is on the minus strand). VCF-style: chr16-53648964-C-T. GRCh37 (hg19) VCF-style: chr16-53682876-C-T.
Other names: c.2304G>A, p.Ser768= (NM_001127897.4, NM_001308334.3, NM_001330538.2); c.2304G>A (NM_015272.4).
Identifiers: ClinVar variation 853034 (VCV000853034.8), dbSNP rs770503381, ClinGen allele CA8057587.